The following is an entry in ClinVar:

ClinVar aggregate classification (germline): Uncertain significance (1 of 4 stars; one submission).

Conditions:
Periodontitis, aggressive. Identifiers: MedGen C0031106, MONDO:0980757.
Haim-Munk syndrome (HMS). Also called: COCHIN JEWISH DISORDER; KERATOSIS PALMOPLANTARIS WITH PERIODONTOPATHIA AND ONYCHOGRYPOSIS. Identifiers: Orphanet 2342, MedGen C1855627, MONDO:0009491, OMIM 245010.
Papillon-Lefèvre syndrome (PALS). Also called: KERATOSIS PALMOPLANTARIS WITH PERIODONTOPATHIA; Papillon-Lefevre Disease. Identifiers: Orphanet 678, MedGen C0030360, MONDO:0009490, OMIM 245000.

Allele frequency attached by ClinVar (database versions not stated): gnomAD exomes below 0.00001.
gnomAD v4.1: 1 of 1,613,978 alleles (0.000062%); highest among the groups gnomAD compares: Non-Finnish European, 0.000085%; no homozygotes.

Submission:

Labcorp Genetics (formerly Invitae), Labcorp
Classification: Uncertain significance for Haim-Munk syndrome; Periodontitis, aggressive; Papillon-Lefèvre syndrome. Last evaluated: 2025-08-15. Review status: criteria provided, single submitter. Criteria: Invitae Variant Classification Sherloc (09022015). Collection method: clinical testing. Allele origin: germline.
Comment: This sequence change replaces histidine, which is basic and polar, with tyrosine, which is neutral and polar, at codon 389 of the CTSC protein (p.His389Tyr). This variant is not present in population databases (gnomAD no frequency). This variant has not been reported in the literature in individuals affected with CTSC-related conditions. ClinVar contains an entry for this variant (Variation ID: 2111519). Invitae Evidence Modeling of protein sequence and biophysical properties (such as structural, functional, and spatial information, amino acid conservation, physicochemical variation, residue mobility, and thermodynamic stability) indicates that this missense variant is not expected to disrupt CTSC protein function with a negative predictive value of 80%. In summary, the available evidence is currently insufficient to determine the role of this variant in disease. Therefore, it has been classified as a Variant of Uncertain Significance.

NM_001814.6(CTSC):c.1165C>T (p.His389Tyr)

Gene: CTSC (cathepsin C; minus strand). Cytogenetic location: 11q14.2.
Variant type: single nucleotide variant.
Coding change: c.1165C>T on transcript NM_001814.6 (MANE Select); coding-DNA position 1165, C replaced by T.
Protein change: p.His389Tyr; replaces histidine 389 with tyrosine.
Molecular consequence: missense variant.
Genome position (GRCh38, 1-based): chr11:88,294,233, G>A on the plus strand (C>T on the coding strand, the complement: CTSC is on the minus strand). VCF-style: chr11-88294233-G-A. GRCh37 (hg19) VCF-style: chr11-88027401-G-A.
Other names: short protein forms H389Y.
Identifiers: ClinVar variation 2111519 (VCV002111519.4), dbSNP rs2496529025, ClinGen allele CA382021725.
Genomic context (GRCh38, chr11:88,294,233, plus strand): 5'-GCAGAACAGCATGATTAGTCAGCTCAAAGGGGTTGAAAGGGTCTCTTAGACCAGTGTGGT[G>A]GTAGATCCCCTTTTTGTAGTGGAGGAAGTCATCATATACTTCAAAAGCAACTGCCATGGG-3'
Protein context (NP_001805.4, residues 379-399): DFLHYKKGIY[His389Tyr]HTGLRDPFNP